The following is an entry in ClinVar:

NM_019032.6(ADAMTSL4):c.2270dup (p.Gly758fs)

Gene: ADAMTSL4 (ADAMTS like 4; plus strand). Cytogenetic location: 1q21.2.
Variant type: Duplication.
Coding change: c.2270dup on transcript NM_019032.6 (MANE Select); coding-DNA position 2270, one base duplicated (G; older notation c.2270dupG).
Protein change: p.Gly758fs; shifts the reading frame from glycine 758.
Molecular consequence: frameshift variant.
Genome position (GRCh38, 1-based): chr1:150,558,037, G duplicated; the last of 8 consecutive G bases (chr1:150,558,030-150,558,037); duplicating any one gives the same sequence. VCF-style (leftmost placement, unchanged base first): chr1-150558029-T-TG. GRCh37 (hg19) VCF-style: chr1-150530505-T-TG.
Other names: c.2270dupG (NM_019032.5, NM_019032.6); c.2153dup, p.Gly719fs (NM_001288607.2); c.2339dup, p.Gly781fs (NM_001288608.2); c.2270dup, p.Gly758fs (NM_001378596.1, NM_025008.5); short protein forms G719fs, G781fs, G758fs.
Identifiers: ClinVar variation 39559 (VCV000039559.16), dbSNP rs747160538, ClinGen allele CA261181.

ClinVar aggregate classification (germline): Pathogenic. Review status: criteria provided, multiple submitters, no conflicts (2 of 4 stars). 10 submissions from 9 submitters: Pathogenic (9). 1 of the submissions does not count toward it. Last evaluated 2026-01-14.

Conditions:
ADAMTSL4-related disorder. Also called: ADAMTSL4-related condition; ADAMTSL4-Related Disorders.
Ectopia lentis et pupillae. Also called: ECTOPIA LENTIS WITH ECTOPIA OF PUPIL. Identifiers: Orphanet 1885, MedGen C1644196, MONDO:0009153, OMIM 225200.
Ectopia lentis 2, isolated, autosomal recessive (ECTOL2). Identifiers: Orphanet 1885, MedGen C3541474, MONDO:0009152, OMIM 225100.

Submissions (10):

Labcorp Genetics (formerly Invitae), Labcorp
Classification: Pathogenic. Last evaluated: 2026-01-14. Review status: criteria provided, single submitter. Criteria: Invitae Variant Classification Sherloc (09022015). Collection method: clinical testing. Allele origin: germline.
Comment: This sequence change creates a premature translational stop signal (p.Gly758Trpfs*59) in the ADAMTSL4 gene. It is expected to result in an absent or disrupted protein product. Loss-of-function variants in ADAMTSL4 are known to be pathogenic (PMID: 20564469, 28642162). The frequency data for this variant in the population databases is considered unreliable, as metrics indicate poor data quality at this position in the gnomAD database. This premature translational stop signal has been observed in individual(s) with ectopia lentis (PMID: 22736615). ClinVar contains an entry for this variant (Variation ID: 39559). For these reasons, this variant has been classified as Pathogenic.

3billion
Classification: Pathogenic for Ectopia lentis et pupillae. Last evaluated: 2025-08-01. Review status: criteria provided, single submitter. Criteria: ACMG Guidelines, 2015. Collection method: clinical testing. Allele origin: germline. Affected: yes.
Comment: The variant is observed at an extremely low frequency in the gnomAD v4.1.0 dataset (total allele frequency: 0.013%). Predicted Consequence/Location: Frameshift: predicted to result in a loss or disruption of normal protein function through nonsense-mediated decay (NMD) or protein truncation. Multiple pathogenic variants are reported downstream of the variant. The variant has been reported at least twice as pathogenic with clinical assertions and evidence for the classification (ClinVar ID: VCV000039559 /PMID: 22736615). Therefore, this variant is classified as Pathogenic according to the recommendation of ACMG/AMP guideline.

Blueprint Genetics
Classification: Pathogenic for ADAMTSL4-related disorders. Last evaluated: 2024-08-02. Review status: criteria provided, single submitter. Criteria: ACMG Guidelines, 2015. Collection method: clinical testing. Allele origin: germline. Affected: yes. Observed: 5 variant alleles.

Fulgent Genetics
Classification: Pathogenic for Ectopia lentis 2, isolated, autosomal recessive; Ectopia lentis et pupillae. Last evaluated: 2024-06-18. Review status: criteria provided, single submitter. Criteria: ACMG Guidelines, 2015. Collection method: clinical testing. Allele origin: germline.

Genome-Nilou Lab
Classification: Pathogenic for Ectopia lentis et pupillae. Last evaluated: 2023-04-11. Review status: criteria provided, single submitter. Criteria: ACMG Guidelines, 2015. Collection method: clinical testing. Allele origin: germline. Affected: no.

Genome-Nilou Lab
Classification: Pathogenic for Ectopia lentis 2, isolated, autosomal recessive. Last evaluated: 2023-04-11. Review status: criteria provided, single submitter. Criteria: ACMG Guidelines, 2015. Collection method: clinical testing. Allele origin: germline. Affected: no.

Genetics and Molecular Pathology, SA Pathology
Classification: Pathogenic for Ectopia lentis 2, isolated, autosomal recessive. Last evaluated: 2022-06-24. Review status: criteria provided, single submitter. Criteria: ACMG Guidelines, 2015. Collection method: clinical testing. Allele origin: germline. Inheritance: Autosomal recessive inheritance. Affected: yes.
Comment: The ADAMTSL4 c.2270dup variant is classified as a PATHOGENIC VARIANT (PVS1, PS4, PP5) This variant is a 1-base pair duplication in exon 14/19 of the ADAMTSL4 gene which results in a frameshift starting at codon Glycine 758, changing this amino acid to a Tryptophan residue, and creating a premature Stop codon at 59 amino acids downstream (PVS1). This is a recurrent pathogenic variant in the ADAMTSL4 gene, and has been previously reported in many individuals with Ectopia lentis in both the homozygous or compound heterozygous state (PMID: 22736615, 23426735, 28642162, 20564469). The variant is in dbSNP (rs747160538) and has been reported in population databases consistent with recessive carrier frequency (gnomAD: 21/151650, 0 homozygote). The variant has been reported in ClinVar (Variation ID: 39559) and HGMD (Accession No: CI127501) as pathogenic/disease causing (PS4). Patient's clinical phenotype is highly specific for ADAMTSL4 (PP5).

GeneDx
Classification: Pathogenic. Last evaluated: 2022-04-18. Review status: criteria provided, single submitter. Criteria: GeneDx Variant Classification Process June 2021. Collection method: clinical testing. Allele origin: germline. Affected: yes.
Comment: Identified with a second ADAMTSL4 variant (phase unknown) in unrelated patients with isolated ectopia lentis et pupillae in published literature (Chandra et al., 2012; Sharifi et al., 2013); Frameshift variant predicted to result in protein truncation or nonsense mediated decay in a gene for which loss-of-function is a known mechanism of disease; Not observed in large population cohorts (gnomAD); Reported in ClinVar but additional evidence is not available (ClinVar Variant ID#39559); This variant is associated with the following publications: (PMID: 22736615, 23426735, 35218299)

Juno Genomics, Hangzhou Juno Genomics, Inc
Classification: Pathogenic for Ectopia lentis 2, isolated, autosomal recessive. Review status: criteria provided, single submitter. Criteria: ACMG Guidelines, 2015. Collection method: clinical testing. Allele origin: germline.
Comment: Absent from controls (or at extremely low frequency if recessive) in Genome Aggregation Database.;Null variant in a gene where loss of function (LOF) is a known mechanism of disease.;For recessive disorders, detected in trans with a pathogenic variant.;Patient's phenotype or family history is highly specific for a disease with a single genetic etiology.

OMIM
Classification: Pathogenic for ECTOPIA LENTIS ET PUPILLAE. Last evaluated: 2012-07-24. Review status: no assertion criteria provided. Collection method: literature only. Allele origin: germline. Not counted in ClinVar's aggregate classification.

Literature cited by the submitters: PubMed 20564469 (cited by Labcorp Genetics (formerly Invitae), Labcorp and Genetics and Molecular Pathology, SA Pathology); PubMed 28642162 (cited by Labcorp Genetics (formerly Invitae), Labcorp and Genetics and Molecular Pathology, SA Pathology); PubMed 22736615 (cited by 4 submitters); PubMed 23426735 (cited by Genetics and Molecular Pathology, SA Pathology).